The following is an entry in ClinVar:

ClinVar aggregate classification (germline): Conflicting classifications of pathogenicity. Review status: criteria provided, conflicting classifications (1 of 4 stars). 10 submissions from 10 submitters: Uncertain significance (7); Benign (1). 2 of the submissions do not count toward it. Last evaluated 2026-04-27.

Conditions:
Hereditary cancer-predisposing syndrome. Also called: Hereditary neoplastic syndrome; Neoplastic Syndromes, Hereditary; Hereditary Cancer Syndrome; Tumor predisposition. Identifiers: Orphanet 140162, MedGen C0027672, MeSH D009386, MONDO:0015356.
Hereditary breast ovarian cancer syndrome. Also called: Hereditary breast and ovarian cancer syndrome (HBOC); Breast and ovarian cancer; Hereditary breast and ovarian cancer syndrome; BRCA1- and BRCA2-Associated Hereditary Breast and Ovarian Cancer; Hereditary breast and/or ovarian cancer syndrome; Hereditary breast and ovarian cancer. Identifiers: Orphanet 145, MedGen C0677776, MeSH D061325, MONDO:0003582. Disease mechanism: loss of function.
Breast-ovarian cancer, familial, susceptibility to, 2 (BROVCA2). Also called: BRCA2 Hereditary Breast and Ovarian Cancer. Identifiers: Orphanet 145, MedGen C2675520, MONDO:0012933, OMIM 612555. Disease mechanism: loss of function.
Familial cancer of breast. Also called: BREAST CANCER, FAMILIAL; hereditary breast carcinoma; Hereditary breast cancer. Identifiers: Orphanet 227535, MedGen C0346153, MONDO:0016419, OMIM 114480. Disease mechanism: loss of function.

gnomAD v4.1: 1 of 1,614,116 alleles (0.000062%); highest among the groups gnomAD compares: Non-Finnish European, 0.000085%; no homozygotes.

Submissions (10):

Women's Health and Genetics/Laboratory Corporation of America, LabCorp
Classification: Uncertain significance. Last evaluated: 2026-04-27. Review status: criteria provided, single submitter. Criteria: LabCorp Variant Classification Summary - May 2015. Collection method: clinical testing. Allele origin: germline.
Comment: Variant summary: BRCA2 c.9177A>C (p.Lys3059Asn) results in a non-conservative amino acid change located in the BRCA2, OB3 fold (IPR015188) of the encoded protein sequence. Algorithms developed to predict the effect of missense changes on protein structure and function are either unavailable or do not agree on the potential impact of this missense change. The variant was absent in 251296 control chromosomes. The available data on variant occurrences in the general population are insufficient to allow any conclusion about variant significance. To our knowledge, no occurrence of c.9177A>C in individuals affected with BRCA2-related conditions and no experimental evidence demonstrating its impact on protein function have been reported. ClinVar contains an entry for this variant (Variation ID: 38218). Based on the evidence outlined above, the variant was classified as uncertain significance.

Labcorp Genetics (formerly Invitae), Labcorp
Classification: Uncertain significance for Hereditary breast ovarian cancer syndrome. Last evaluated: 2025-09-30. Review status: criteria provided, single submitter. Criteria: Invitae Variant Classification Sherloc (09022015). Collection method: clinical testing. Allele origin: germline.
Comment: This sequence change replaces lysine, which is basic and polar, with asparagine, which is neutral and polar, at codon 3059 of the BRCA2 protein (p.Lys3059Asn). This variant is not present in population databases (gnomAD no frequency). This variant has not been reported in the literature in individuals affected with BRCA2-related conditions. ClinVar contains an entry for this variant (Variation ID: 38218). Invitae Evidence Modeling of protein sequence and biophysical properties (such as structural, functional, and spatial information, amino acid conservation, physicochemical variation, residue mobility, and thermodynamic stability) indicates that this missense variant is not expected to disrupt BRCA2 protein function with a negative predictive value of 95%. In summary, the available evidence is currently insufficient to determine the role of this variant in disease. Therefore, it has been classified as a Variant of Uncertain Significance.

Quest Diagnostics Nichols Institute San Juan Capistrano
Classification: Uncertain significance. Last evaluated: 2025-07-24. Review status: criteria provided, single submitter. Criteria: Quest Diagnostics criteria. Collection method: clinical testing. Allele origin: unknown.
Comment: The BRCA2 c.9177A>C (p.Lys3059Asn) variant has been reported in the published literature in an individual with an unspecified cancer (PMID: 31853058 (2020)) and has been seen where an alternate explanation for disease was identified (PMID: 36557020 (2022)). This variant showed benign effects in saturation genome editing assays measuring DNA repair-dependent cell survival (PMIDs: 39779848 (2025), 39779857 (2025)). This variant has not been reported in large, multi-ethnic general populations (Genome Aggregation Database). Analysis of this variant using bioinformatics tools for the prediction of the effect of amino acid changes on protein structure and function yielded conflicting predictions that this variant is benign or damaging. Based on the available information, we are unable to determine the clinical significance of this variant.

Ambry Genetics
Classification: Benign for Hereditary cancer-predisposing syndrome. Last evaluated: 2025-05-23. Review status: criteria provided, single submitter. Criteria: Ambry Variant Classification Scheme 2023. Collection method: clinical testing. Allele origin: germline.

Color Diagnostics, LLC DBA Color Health
Classification: Uncertain significance for Hereditary cancer-predisposing syndrome. Last evaluated: 2024-11-05. Review status: criteria provided, single submitter. Criteria: ACMG Guidelines, 2015. Collection method: clinical testing. Allele origin: germline.
Comment: This missense variant replaces lysine with asparagine at codon 3059 of the BRCA2 protein. Computational prediction suggests that this variant may not impact protein structure and function. To our knowledge, functional studies have not been reported for this variant. A multifactorial analysis has reported a likelihood ratio for pathogenicity based on personal and family history of 0.371 from log(LR)=-0.431054652 for one carrier (PMID: 31853058). This variant has not been identified in the general population by the Genome Aggregation Database (gnomAD). The available evidence is insufficient to determine the role of this variant in disease conclusively. Therefore, this variant is classified as a Variant of Uncertain Significance.

Baylor Genetics
Classification: Uncertain significance for Familial cancer of breast. Last evaluated: 2023-12-29. Review status: criteria provided, single submitter. Criteria: ACMG Guidelines, 2015. Collection method: clinical testing. Allele origin: unknown.

All of Us Research Program, National Institutes of Health
Classification: Uncertain significance for Breast-ovarian cancer, familial, susceptibility to, 2. Last evaluated: 2023-03-04. Review status: criteria provided, single submitter. Criteria: ACMG Guidelines, 2015. Collection method: clinical testing. Allele origin: germline. Inheritance: Autosomal dominant inheritance. Observed: 1 variant allele, 1 heterozygote.
Comment: This missense variant replaces lysine with asparagine at codon 3059 of the BRCA2 protein. Computational prediction suggests that this variant may not impact protein structure and function (internally defined REVEL score threshold <= 0.5, PMID: 27666373). To our knowledge, functional studies have not been reported for this variant. This variant has not been reported in individuals affected with hereditary cancer in the literature. This variant has not been identified in the general population by the Genome Aggregation Database (gnomAD). The available evidence is insufficient to determine the role of this variant in disease conclusively. Therefore, this variant is classified as a Variant of Uncertain Significance.

This study involves interpretation of variants in research participants for the purpose of population health screening. Participant phenotype was not available at the time of variant classification. Additional details can be found in publication PMID: 35346344, PMCID: PMC8962531

GeneDx
Classification: Uncertain significance. Last evaluated: 2020-09-22. Review status: criteria provided, single submitter. Criteria: GeneDx Variant Classification Process June 2021. Collection method: clinical testing. Allele origin: germline. Affected: yes.
Comment: Not observed in large population cohorts (Lek 2016); In silico analysis supports that this missense variant does not alter protein structure/function; Has not been previously published as pathogenic or benign to our knowledge

Counsyl
Classification: Uncertain significance for Breast-ovarian cancer, familial, susceptibility to, 2. Last evaluated: 2016-05-10. Review status: no assertion criteria provided. Collection method: clinical testing. Allele origin: unknown. Not counted in ClinVar's aggregate classification.

Sharing Clinical Reports Project (SCRP)
Classification: Uncertain significance for Breast-ovarian cancer, familial 2. Last evaluated: 2008-10-06. Review status: no assertion criteria provided. Collection method: clinical testing. Allele origin: germline. Not counted in ClinVar's aggregate classification.

Literature cited by the submitters: PubMed 31853058 (cited by Quest Diagnostics Nichols Institute San Juan Capistrano and Color Diagnostics, LLC DBA Color Health); PubMed 39779848 (cited by Quest Diagnostics Nichols Institute San Juan Capistrano); PubMed 31911673 (cited by Quest Diagnostics Nichols Institute San Juan Capistrano); PubMed 36557020 (cited by Quest Diagnostics Nichols Institute San Juan Capistrano).

NM_000059.4(BRCA2):c.9177A>C (p.Lys3059Asn)

Gene: BRCA2 (BRCA2 DNA repair associated; plus strand). Cytogenetic location: 13q13.1.
Variant type: single nucleotide variant.
Coding change: c.9177A>C on transcript NM_000059.4 (MANE Select); coding-DNA position 9177, A replaced by C.
Protein change: p.Lys3059Asn; replaces lysine 3059 with asparagine.
Molecular consequence: missense variant.
Genome position (GRCh38, 1-based): chr13:32,380,066, A>C. VCF-style: chr13-32380066-A-C. GRCh37 (hg19) VCF-style: chr13-32954203-A-C.
Other names: 9405A>C; short protein forms K3059N.
Identifiers: ClinVar variation 38218 (VCV000038218.29), dbSNP rs201561974, ClinGen allele CA026017.